The following is an entry in ClinVar:

ClinVar aggregate classification (germline): Likely benign. Review status: criteria provided, multiple submitters, no conflicts (2 of 4 stars). 3 submissions from 3 submitters: Likely benign (3). Last evaluated 2024-10-07.

Allele frequency attached by ClinVar (database versions not stated): ExAC 0.00001; gnomAD 0.00001 and 0.00002; gnomAD exomes 0.00002; ESP Exome Variant Server 0.00008.
gnomAD v4.1: 73 of 1,613,474 alleles (0.0045%); highest among the groups gnomAD compares: Non-Finnish European, 0.0055%; no homozygotes.

Submissions (3):

Blueprint Genetics
Classification: Likely benign. Last evaluated: 2024-10-07. Review status: criteria provided, single submitter. Criteria: ACMG Guidelines, 2015. Collection method: clinical testing. Allele origin: germline.

CeGaT Center for Human Genetics Tuebingen
Classification: Likely benign. Last evaluated: 2024-02-01. Review status: criteria provided, single submitter. Criteria: CeGaT Center For Human Genetics Tuebingen Variant Classification Criteria Version 2. Collection method: clinical testing. Allele origin: germline. Affected: yes. Observed: 1 variant allele.
Comment: DENND5A: BP4, BP7

Labcorp Genetics (formerly Invitae), Labcorp
Classification: Likely benign. Last evaluated: 2023-04-07. Review status: criteria provided, single submitter. Criteria: Invitae Variant Classification Sherloc (09022015). Collection method: clinical testing. Allele origin: germline.

NM_015213.4(DENND5A):c.2622C>T (p.Ile874=)

Gene: DENND5A (DENN domain containing 5A; minus strand). Cytogenetic location: 11p15.4.
Variant type: single nucleotide variant.
Coding change: c.2622C>T on transcript NM_015213.4 (MANE Select); coding-DNA position 2622, C replaced by T.
Protein change: p.Ile874=; no amino-acid change (isoleucine 874 retained).
Molecular consequence: synonymous variant. On other transcripts: non-coding transcript variant (1).
Genome position (GRCh38, 1-based): chr11:9,150,194, G>A on the plus strand (C>T on the coding strand, the complement: DENND5A is on the minus strand). VCF-style: chr11-9150194-G-A. GRCh37 (hg19) VCF-style: chr11-9171741-G-A.
Other names: c.2622C>T, p.Ile874= (NM_001243254.2); c.2550C>T, p.Ile850= (NM_001348749.2); c.2334C>T, p.Ile778= (NM_001348750.2).
Identifiers: ClinVar variation 1603710 (VCV001603710.31), dbSNP rs373547821, ClinGen allele CA5877272.